The following is an entry in ClinVar:

NM_001429.4(EP300):c.1881G>A (p.Ala627=)

Gene: EP300 (EP300 lysine acetyltransferase; plus strand). Cytogenetic location: 22q13.2.
Variant type: single nucleotide variant.
Coding change: c.1881G>A on transcript NM_001429.4 (MANE Select); coding-DNA position 1881, G replaced by A.
Protein change: p.Ala627=; no amino-acid change (alanine 627 retained).
Molecular consequence: synonymous variant.
Genome position (GRCh38, 1-based): chr22:41,141,050, G>A. VCF-style: chr22-41141050-G-A. GRCh37 (hg19) VCF-style: chr22-41537054-G-A.
Other names: c.1881G>A, p.Ala627= (NM_001362843.2).
Identifiers: ClinVar variation 4990083 (VCV004990083.1).

ClinVar aggregate classification (germline): Uncertain significance (1 of 4 stars; one submission).

Conditions:
EP300-related disorder. Also called: EP300-related condition; EP300-related disorders.

gnomAD v4.1: 2 of 1,613,496 alleles (0.00012%); highest among the groups gnomAD compares: Non-Finnish European, 0.00017%; no homozygotes.

Submission:

PreventionGenetics, part of Exact Sciences
Classification: Uncertain significance for EP300-related condition. Last evaluated: 2024-12-04. Review status: criteria provided, single submitter. Criteria: ACMG Guidelines, 2015. Collection method: clinical testing. Allele origin: germline.
Comment: The EP300 c.1881G>A variant is not predicted to result in an amino acid change (p.=). This variant is predicted to alter splicing based on available splicing prediction programs (SpliceAI, Jaganathan et al. 2019. PubMed ID: 30661751). However, the use of computer prediction programs is not equivalent to functional evidence. To our knowledge, this variant has not been reported in the literature or in a large population database (gnomAD), indicating this variant is rare. At this time, the clinical significance of this variant is uncertain due to the absence of conclusive functional and genetic evidence.